The following is an entry in ClinVar:

ClinVar aggregate classification (germline): Uncertain significance (1 of 4 stars; one submission).

Conditions:
Combined immunodeficiency due to DOCK8 deficiency (HIES2). Also called: HYPER-IgE RECURRENT INFECTION SYNDROME 2, AUTOSOMAL RECESSIVE; HYPER-IgE SYNDROME 2, AUTOSOMAL RECESSIVE, WITH RECURRENT INFECTIONS; HIES autosomal recessive; DOCK8 Deficiency; Hyper-IgE recurrent infection syndrome, autosomal recessive. Identifiers: Orphanet 217390, MedGen C4722305, MONDO:0009478, OMIM 243700.

Allele frequency attached by ClinVar (database versions not stated): gnomAD exomes 0.00001.
gnomAD v4.1: 5 of 1,613,538 alleles (0.00031%); highest among the groups gnomAD compares: Non-Finnish European, 0.00042%; no homozygotes.

Submission:

Labcorp Genetics (formerly Invitae), Labcorp
Classification: Uncertain significance for Combined immunodeficiency due to DOCK8 deficiency. Last evaluated: 2022-02-07. Review status: criteria provided, single submitter. Criteria: Invitae Variant Classification Sherloc (09022015). Collection method: clinical testing. Allele origin: germline.
Comment: This sequence change replaces aspartic acid, which is acidic and polar, with glycine, which is neutral and non-polar, at codon 1231 of the DOCK8 protein (p.Asp1231Gly). This variant is not present in population databases (gnomAD no frequency). This variant has not been reported in the literature in individuals affected with DOCK8-related conditions. Algorithms developed to predict the effect of missense changes on protein structure and function are either unavailable or do not agree on the potential impact of this missense change (SIFT: "Tolerated"; PolyPhen-2: "Probably Damaging"; Align-GVGD: "Class C0"). In summary, the available evidence is currently insufficient to determine the role of this variant in disease. Therefore, it has been classified as a Variant of Uncertain Significance.

NM_203447.4(DOCK8):c.3692A>G (p.Asp1231Gly)

Gene: DOCK8 (dedicator of cytokinesis 8; plus strand). Cytogenetic location: 9p24.3.
Variant type: single nucleotide variant.
Coding change: c.3692A>G on transcript NM_203447.4 (MANE Select); coding-DNA position 3692, A replaced by G.
Protein change: p.Asp1231Gly; replaces aspartic acid 1231 with glycine.
Molecular consequence: missense variant.
Genome position (GRCh38, 1-based): chr9:414,943, A>G. VCF-style: chr9-414943-A-G. GRCh37 (hg19) VCF-style: chr9-414943-A-G.
Other names: c.3392A>G, p.Asp1131Gly (NM_001190458.2); c.3488A>G, p.Asp1163Gly (NM_001193536.2); short protein forms D1131G, D1163G, D1231G.
Identifiers: ClinVar variation 1372434 (VCV001372434.5), dbSNP rs2131602458, ClinGen allele CA372761128.